The following is an entry in ClinVar:

NM_002474.3(MYH11):c.698C>G (p.Thr233Arg)

Gene: MYH11 (myosin heavy chain 11; minus strand). Cytogenetic location: 16p13.11.
Variant type: single nucleotide variant.
Coding change: c.698C>G on transcript NM_002474.3 (MANE Select); coding-DNA position 698, C replaced by G.
Protein change: p.Thr233Arg; replaces threonine 233 with arginine.
Molecular consequence: missense variant.
Genome position (GRCh38, 1-based): chr16:15,782,413, G>C on the plus strand (C>G on the coding strand, the complement: MYH11 is on the minus strand). VCF-style: chr16-15782413-G-C. GRCh37 (hg19) VCF-style: chr16-15876270-G-C.
Other names: c.719C>G, p.Thr240Arg (NM_001040113.2, NM_001040114.2); c.698C>G, p.Thr233Arg (NM_022844.3); short protein forms T233R, T240R.
Identifiers: ClinVar variation 4756612 (VCV004756612.1).

ClinVar aggregate classification (germline): Uncertain significance (1 of 4 stars; one submission).

Conditions:
Familial thoracic aortic aneurysm and aortic dissection (TAAD). Also called: Thoracic aortic aneurysms and dissections. Identifiers: Orphanet 91387, MedGen C4707243, MONDO:0019625.

Submission:

Color Diagnostics, LLC DBA Color Health
Classification: Uncertain significance for Familial thoracic aortic aneurysm and aortic dissection. Last evaluated: 2025-07-07. Review status: criteria provided, single submitter. Criteria: ACMG Guidelines, 2015. Collection method: clinical testing. Allele origin: germline.
Comment: This missense variant replaces threonine with arginine at codon 240 of the MYH11 protein. Computational prediction suggests that this variant may have deleterious impact on protein structure and function. To our knowledge, functional studies have not been reported for this variant. This variant has not been reported in individuals affected with MYH11-related disorders in the literature. This variant has not been identified in the general population by the Genome Aggregation Database (gnomAD). The available evidence is insufficient to determine the role of this variant in disease conclusively. Therefore, this variant is classified as a Variant of Uncertain Significance.